The following is an entry in ClinVar:

ClinVar aggregate classification (germline): Conflicting classifications of pathogenicity. Review status: criteria provided, conflicting classifications (1 of 4 stars). 2 submissions from 2 submitters: Uncertain significance (1); Benign (1). Last evaluated 2025-06-16.

Conditions:
Inborn genetic diseases. Identifiers: MedGen C0950123, MeSH D030342.
Spinocerebellar ataxia, autosomal recessive, with axonal neuropathy 2 (SCAN2). Also called: Ataxia with Oculomotor Apraxia Type 2; Ataxia-ocular apraxia-2; ATAXIA-OCULOMOTOR APRAXIA 2; Ataxia with Oculomotor Apraxia. Identifiers: Orphanet 64753, MedGen C1853761, MONDO:0018996, OMIM 606002.
Amyotrophic lateral sclerosis type 4 (ALS4). Also called: NEURONOPATHY, DISTAL HEREDITARY MOTOR, WITH PYRAMIDAL FEATURES; AMYOTROPHIC LATERAL SCLEROSIS 4, JUVENILE. Identifiers: Orphanet 357043, MedGen C1865409, MONDO:0011223, OMIM 602433.

Allele frequency attached by ClinVar (database versions not stated): 1000 Genomes Project 30x 0.00016; 1000 Genomes Project 0.00020.
gnomAD v4.1: 14 of 1,613,966 alleles (0.00087%); highest among the groups gnomAD compares: East Asian, 0.031%; no homozygotes.

Submissions (2):

Labcorp Genetics (formerly Invitae), Labcorp
Classification: Benign for Amyotrophic lateral sclerosis type 4; Spinocerebellar ataxia, autosomal recessive, with axonal neuropathy 2. Last evaluated: 2025-06-16. Review status: criteria provided, single submitter. Criteria: Invitae Variant Classification Sherloc (09022015). Collection method: clinical testing. Allele origin: germline.

Ambry Genetics
Classification: Uncertain significance for Inborn genetic diseases. Last evaluated: 2021-09-13. Review status: criteria provided, single submitter. Criteria: Ambry Variant Classification Scheme 2023. Collection method: clinical testing. Allele origin: germline.
Comment: The p.E756V variant (also known as c.2267A>T), located in coding exon 8 of the SETX gene, results from an A to T substitution at nucleotide position 2267. The glutamic acid at codon 756 is replaced by valine, an amino acid with dissimilar properties. This variant has been identified in individuals with amyotrophic lateral sclerosis (ALS); however, clinical details were limited, and other variants in ALS-related genes may have been detected (Zhang H et al. Amyotroph Lateral Scler Frontotemporal Degene, 2018 08;19:419-425; Chen W et al. Eur J Neurol, 2020 06;27:1017-1022). This amino acid position is not well conserved in available vertebrate species. In addition, this alteration is predicted to be tolerated by in silico analysis. Based on the supporting evidence, this variant is unlikely to be causative of juvenile amyotrophic lateral sclerosis 4 (ALS4); however, its contribution to the development of spinocerebellar ataxia with axonal neuropathy 2 (SCAN2) is uncertain.

Literature cited by the submitters: PubMed 29411640 (cited by Ambry Genetics); PubMed 32166880 (cited by Ambry Genetics).

NM_015046.7(SETX):c.2267A>T (p.Glu756Val)

Gene: SETX (senataxin; minus strand). Cytogenetic location: 9q34.13.
Variant type: single nucleotide variant.
Coding change: c.2267A>T on transcript NM_015046.7 (MANE Select); coding-DNA position 2267, A replaced by T.
Protein change: p.Glu756Val; replaces glutamic acid 756 with valine.
Molecular consequence: missense variant.
Genome position (GRCh38, 1-based): chr9:132,329,331, T>A on the plus strand (A>T on the coding strand, the complement: SETX is on the minus strand). VCF-style: chr9-132329331-T-A. GRCh37 (hg19) VCF-style: chr9-135204718-T-A.
Other names: c.2267A>T, p.Glu756Val (NM_001351527.2, NM_001351528.2); short protein forms E756V.
Identifiers: ClinVar variation 1360051 (VCV001360051.8), dbSNP rs202036078, ClinGen allele CA5297634.